The following is an entry in ClinVar:

ClinVar aggregate classification (germline): Uncertain significance. Review status: criteria provided, multiple submitters, no conflicts (2 of 4 stars). 2 submissions from 2 submitters: Uncertain significance (2). Last evaluated 2025-06-15.

Conditions:
Hereditary cancer-predisposing syndrome. Also called: Neoplastic Syndromes, Hereditary; Tumor predisposition; Hereditary Cancer Syndrome; Hereditary neoplastic syndrome. Identifiers: Orphanet 140162, MedGen C0027672, MeSH D009386, MONDO:0015356.

Submissions (2):

Ambry Genetics
Classification: Uncertain significance for Hereditary cancer-predisposing syndrome. Last evaluated: 2025-06-15. Review status: criteria provided, single submitter. Criteria: Ambry Variant Classification Scheme 2023. Collection method: clinical testing. Allele origin: germline.
Comment: The p.V12G variant (also known as c.35T>G), located in coding exon 1 of the RAD50 gene, results from a T to G substitution at nucleotide position 35. The valine at codon 12 is replaced by glycine, an amino acid with dissimilar properties. This amino acid position is conserved. In addition, the in silico prediction for this alteration is inconclusive. Based on the available evidence, the clinical significance of this variant remains unclear.

Labcorp Genetics (formerly Invitae), Labcorp
Classification: Uncertain significance for Hereditary cancer-predisposing syndrome. Last evaluated: 2018-10-13. Review status: criteria provided, single submitter. Criteria: Invitae Variant Classification Sherloc (09022015). Collection method: clinical testing. Allele origin: germline.
Comment: In summary, the available evidence is currently insufficient to determine the role of this variant in disease. Therefore, it has been classified as a Variant of Uncertain Significance. Algorithms developed to predict the effect of missense changes on protein structure and function are either unavailable or do not agree on the potential impact of this missense change (SIFT: "Deleterious"; PolyPhen-2: "Probably Damaging"; Align-GVGD: "Class C0"). This variant has not been reported in the literature in individuals with RAD50-related disease. This variant is not present in population databases (ExAC no frequency). This sequence change replaces valine with glycine at codon 12 of the RAD50 protein (p.Val12Gly). The valine residue is moderately conserved and there is a moderate physicochemical difference between valine and glycine.

NM_005732.4(RAD50):c.35T>G (p.Val12Gly)

Gene: RAD50 (RAD50 double strand break repair protein; plus strand). Cytogenetic location: 5q31.1.
Variant type: single nucleotide variant.
Coding change: c.35T>G on transcript NM_005732.4 (MANE Select); coding-DNA position 35, T replaced by G.
Protein change: p.Val12Gly; replaces valine 12 with glycine.
Molecular consequence: missense variant.
Genome position (GRCh38, 1-based): chr5:132,557,359, T>G. VCF-style: chr5-132557359-T-G. GRCh37 (hg19) VCF-style: chr5-131893051-T-G.
Other names: short protein forms V12G.
Identifiers: ClinVar variation 639818 (VCV000639818.10), dbSNP rs1580974376, ClinGen allele CA360950917.